The following is an entry in ClinVar:

NM_001003694.2(BRPF1):c.3247G>C (p.Glu1083Gln)

Gene: BRPF1 (bromodomain and PHD finger containing 1; plus strand). Cytogenetic location: 3p25.3.
Variant type: single nucleotide variant.
Coding change: c.3247G>C on transcript NM_001003694.2 (MANE Select); coding-DNA position 3247, G replaced by C.
Protein change: p.Glu1083Gln; replaces glutamic acid 1083 with glutamine.
Molecular consequence: missense variant. On other transcripts: non-coding transcript variant (1).
Genome position (GRCh38, 1-based): chr3:9,745,853, G>C. VCF-style: chr3-9745853-G-C. GRCh37 (hg19) VCF-style: chr3-9787537-G-C.
Other names: c.2944G>C, p.Glu982Gln (NM_001319049.2); c.3226G>C, p.Glu1076Gln (NM_001319050.2); c.3244G>C, p.Glu1082Gln (NM_001410704.1); c.3229G>C, p.Glu1077Gln (NM_004634.3); short protein forms E1076Q, E1077Q, E1082Q, E1083Q, E982Q.
Identifiers: ClinVar variation 3373155 (VCV003373155.2).
Genomic context (GRCh38, chr3:9,745,853, plus strand): 5'-CTCCCCCATTCCTGTGAAGTGGTAAGGAAGAGTCTGGGCCGGGGAGCTGGCTGGCTGTCA[G>C]AGGATGAGGACTCCCCGCTGGATGCTCTGGACCTCGTGTGGGCCAAATGCCGAGGCTATC-3'
Protein context (NP_001003694.1, residues 1073-1093): SLGRGAGWLS[Glu1083Gln]DEDSPLDALD

ClinVar aggregate classification (germline): Likely pathogenic (1 of 4 stars; one submission).

Submission:

GeneDx
Classification: Likely pathogenic. Last evaluated: 2026-08-13. Review status: criteria provided, single submitter. Criteria: GeneDx Variant Classification Process June 2021. Collection method: clinical testing. Allele origin: germline.
Comment: Not observed at significant frequency in large population cohorts (gnomAD); In silico analysis suggests that this missense variant does not alter protein structure/function; Has not been previously published as pathogenic or benign to our knowledge